The following is an entry in ClinVar:

ClinVar aggregate classification (germline): Conflicting classifications of pathogenicity. Review status: criteria provided, conflicting classifications (1 of 4 stars). 4 submissions from 4 submitters: Uncertain significance (1); Benign (1); Likely benign (2). Last evaluated 2026-08-01.

Conditions:
Ehlers-Danlos syndrome, classic type, 1 (EDSCL1). Also called: Ehlers-Danlos Syndrome, Classic Type, COL5A1-Related; EDS I; Ehlers-Danlos syndrome, type 1; EHLERS-DANLOS SYNDROME, GRAVIS TYPE; EHLERS-DANLOS SYNDROME, SEVERE CLASSIC TYPE. Identifiers: MedGen C0268335, MONDO:0019567, OMIM 130000.
Familial thoracic aortic aneurysm and aortic dissection (TAAD). Also called: Thoracic aortic aneurysms and dissections. Identifiers: Orphanet 91387, MedGen C4707243, MONDO:0019625.

Allele frequency attached by ClinVar (database versions not stated): gnomAD 0.00001; gnomAD exomes 0.00001; TOPMed 0.00001.
gnomAD v4.1: 19 of 1,613,374 alleles (0.0012%); highest among the groups gnomAD compares: East Asian, 0.0022%; no homozygotes.

Submissions (4):

CeGaT Center for Human Genetics Tuebingen
Classification: Likely benign. Last evaluated: 2026-08-01. Review status: criteria provided, single submitter. Criteria: CeGaT Center For Human Genetics Tuebingen Variant Classification Criteria Version 2. Collection method: clinical testing. Allele origin: germline. Affected: yes. Observed: 1 variant allele.
Comment: COL5A1: BP4, BS2

Ambry Genetics
Classification: Likely benign for Familial thoracic aortic aneurysm and aortic dissection. Last evaluated: 2026-04-15. Review status: criteria provided, single submitter. Criteria: Ambry Variant Classification Scheme 2023. Collection method: clinical testing. Allele origin: germline.

Labcorp Genetics (formerly Invitae), Labcorp
Classification: Benign for Ehlers-Danlos syndrome, classic type, 1. Last evaluated: 2025-12-21. Review status: criteria provided, single submitter. Criteria: Invitae Variant Classification Sherloc (09022015). Collection method: clinical testing. Allele origin: germline.

GeneDx
Classification: Uncertain significance. Last evaluated: 2021-06-08. Review status: criteria provided, single submitter. Criteria: GeneDx Variant Classification Process June 2021. Collection method: clinical testing. Allele origin: germline. Affected: yes.
Comment: Has not been previously published as pathogenic or benign to our knowledge; Reported in ClinVar but additional evidence is not available (ClinVar Variant ID# 658155; Landrum et al., 2016); Not observed at significant frequency in large population cohorts (Lek et al., 2016); Not located in the triple helical region, where the majority of pathogenic missense variants occur (Symoens et al., 2012; Stenson et al., 2014); In silico analysis supports that this missense variant does not alter protein structure/function; This variant is associated with the following publications: (PMID: 24077912, 22696272, 27535533)

NM_000093.5(COL5A1):c.5224G>A (p.Val1742Ile)

Genes: COL5A1 (collagen type V alpha 1 chain; plus strand), LOC101448202 (uncharacterized LOC101448202; minus strand). Cytogenetic location: 9q34.3.
Variant type: single nucleotide variant.
Coding change: c.5224G>A on transcript NM_000093.5 (MANE Select); coding-DNA position 5224, G replaced by A.
Protein change: p.Val1742Ile; replaces valine 1742 with isoleucine.
Molecular consequence: missense variant.
Genome position (GRCh38, 1-based): chr9:134,835,058, G>A. VCF-style: chr9-134835058-G-A. GRCh37 (hg19) VCF-style: chr9-137726904-G-A.
Other names: c.5224G>A, p.Val1742Ile (NM_001278074.1); short protein forms V1742I.
Identifiers: ClinVar variation 658155 (VCV000658155.14), dbSNP rs946316218, ClinGen allele CA201113787.